The following is an entry in ClinVar:

NM_170699.3(GPBAR1):c.399T>A (p.Ala133=)

Gene: GPBAR1 (G protein-coupled bile acid receptor 1; plus strand). Cytogenetic location: 2q35.
Variant type: single nucleotide variant.
Coding change: c.399T>A on transcript NM_170699.3 (MANE Select); coding-DNA position 399, T replaced by A.
Protein change: p.Ala133=; no amino-acid change (alanine 133 retained).
Molecular consequence: synonymous variant.
Genome position (GRCh38, 1-based): chr2:218,263,123, T>A. VCF-style: chr2-218263123-T-A. GRCh37 (hg19) VCF-style: chr2-219127846-T-A.
Other names: c.399T>A, p.Ala133= (NM_001077191.2, NM_001077194.2, NM_001321950.2).
Identifiers: ClinVar variation 3055350 (VCV003055350.2), dbSNP rs750106315, ClinGen allele CA2102580.

ClinVar aggregate classification (germline): Likely benign (0 of 4 stars; one submission).

Conditions:
GPBAR1-related disorder. Also called: GPBAR1-related condition.

Allele frequency attached by ClinVar (database versions not stated): ExAC 0.00001.

Submission:

PreventionGenetics, part of Exact Sciences
Classification: Likely benign for GPBAR1-related condition. Last evaluated: 2023-07-18. Review status: no assertion criteria provided. Collection method: clinical testing. Allele origin: germline.
Comment: This variant is classified as likely benign based on ACMG/AMP sequence variant interpretation guidelines (Richards et al. 2015 PMID: 25741868, with internal and published modifications).